The following is an entry in ClinVar:

ClinVar aggregate classification (germline): Pathogenic. Review status: criteria provided, multiple submitters, no conflicts (2 of 4 stars). 10 submissions from 10 submitters: Pathogenic (8). 2 of the submissions do not count toward it. Last evaluated 2025-12-29.

Conditions:
Hereditary cancer-predisposing syndrome. Also called: Neoplastic Syndromes, Hereditary; Hereditary Cancer Syndrome; Tumor predisposition; Hereditary neoplastic syndrome. Identifiers: Orphanet 140162, MedGen C0027672, MeSH D009386, MONDO:0015356.
Familial adenomatous polyposis 1 (FAP1). Also called: POLYPOSIS, ADENOMATOUS INTESTINAL; FAMILIAL ADENOMATOUS POLYPOSIS 1, ATTENUATED. Identifiers: MedGen C2713442, MONDO:0021056, OMIM 175100. Disease mechanism: loss of function.
Desmoid disease, hereditary (DESMD). Also called: FIBROMATOSIS, FAMILIAL INFILTRATIVE. Identifiers: Orphanet 873, MedGen C1851124, OMIM 135290. Disease mechanism: loss of function.

Submissions (10):

Center for Genomic Medicine, Rigshospitalet, Copenhagen University Hospital
Classification: Pathogenic. Last evaluated: 2025-12-29. Review status: criteria provided, single submitter. Criteria: ACMG Guidelines, 2015. Collection method: clinical testing. Allele origin: germline.

CeGaT Center for Human Genetics Tuebingen
Classification: Pathogenic. Last evaluated: 2025-02-01. Review status: criteria provided, single submitter. Criteria: CeGaT Center For Human Genetics Tuebingen Variant Classification Criteria Version 2. Collection method: clinical testing. Allele origin: germline. Affected: yes. Observed: 1 variant allele.
Comment: APC: PP1:Strong, PVS1:Strong, PM2, PS4:Moderate, PP4

Labcorp Genetics (formerly Invitae), Labcorp
Classification: Pathogenic for Familial adenomatous polyposis 1. Last evaluated: 2024-10-03. Review status: criteria provided, single submitter. Criteria: Invitae Variant Classification Sherloc (09022015). Collection method: clinical testing. Allele origin: germline.
Comment: This sequence change creates a premature translational stop signal (p.Asp1942Glufs*27) in the APC gene. While this is not anticipated to result in nonsense mediated decay, it is expected to disrupt the last 902 amino acid(s) of the APC protein. This variant is not present in population databases (gnomAD no frequency). This premature translational stop signal has been observed in individual(s) with a personal or family history of desmoid tumors or familial adenomatous polyposis, Gardner fibroma with suspected desmoid tumor, and/or polyposis (PMID: 8968744, 11001924, 15108286, 25074465). It has also been observed to segregate with disease in related individuals. This variant is also known as 5824delGACA and 5844_5847del4. ClinVar contains an entry for this variant (Variation ID: 219743). This variant disrupts a region of the APC protein in which other variant(s) (p.Asn1979Thrfs*64) have been determined to be pathogenic (PMID: 9824584, 20434453). This suggests that this is a clinically significant region of the protein, and that variants that disrupt it are likely to be disease-causing. For these reasons, this variant has been classified as Pathogenic.

Ambry Genetics
Classification: Pathogenic for Hereditary cancer-predisposing syndrome. Last evaluated: 2023-09-09. Review status: criteria provided, single submitter. Criteria: Ambry Variant Classification Scheme 2023. Collection method: clinical testing. Allele origin: germline.
Comment: The c.5826_5829delCAGA pathogenic mutation, located in coding exon 15 of the APC gene, results from a deletion of 4 nucleotides at nucleotide positions 5826 to 5829, causing a translational frameshift with a predicted alternate stop codon (p.D1942Efs*27). This alteration occurs at the 3' terminus of theAPC gene and is not expected to trigger nonsense-mediated mRNA decay. However, premature stop codons are typically deleterious in nature, a significant portion of the protein is affected, and the impacted region is critical for protein function (Ambry internal data). This alteration has been observed in at least one individual with a personal and/or family history that is consistent with APC-related disease (Ambry internal data). This alteration was also identified in an infant with Gardner fibroma and in this individual's sister who had hepatoblastoma; other family members had a history of colon polyposis and colorectal cancer (Vieira J et al. Eur. J. Hum. Genet., 2015 May;23:715-8). In addition, this alteration was detected in a family that included ten individuals with >100 colon adenomas (Bisgaard ML et al. Hum. Mutat., 2004 May;23:522). Epidermoid cysts, osteomas, duodenal adenomas and desmoid tumors were also reported in this family (Bisgaard ML et al. Hum. Mutat., 2004 May;23:522). In another study, this alteration (referred to as a 4 bp deletion at nucleotides 5844&ndash;5847 (codon 1962)) was detected in three unrelated families that had at least two individuals with desmoid tumors with otherwise variable presentation of colorectal polyposis and colorectal cancer (Scott RJ et al. Hum. Mol. Genet., 1996 Dec;5:1921-4). This variant is considered to be rare based on population cohorts in the Genome Aggregation Database (gnomAD). Based on the supporting evidence, this alteration is interpreted as a disease-causing mutation.

Myriad Genetics, Inc.
Classification: Pathogenic for Familial adenomatous polyposis 1. Last evaluated: 2023-05-15. Review status: criteria provided, single submitter. Criteria: Myriad Autosomal Dominant, Autosomal Recessive and X-Linked Classification Criteria (2023). Collection method: clinical testing. Allele origin: unknown.
Comment: This variant is considered pathogenic. This variant creates a frameshift predicted to result in premature protein truncation.

GeneDx
Classification: Pathogenic. Last evaluated: 2020-06-22. Review status: criteria provided, single submitter. Criteria: GeneDx Variant Classification Process June 2021. Collection method: clinical testing. Allele origin: germline. Affected: yes.
Comment: Frameshift variant predicted to result in protein truncation or nonsense mediated decay in a gene for which loss-of-function is a known mechanism of disease; Not observed in large population cohorts (Lek 2016); This variant is associated with the following publications: (PMID: 8968744, 15108286, 25074465, 11001924, 29625052)

ARUP Laboratories, Molecular Genetics and Genomics, ARUP Laboratories
Classification: Pathogenic. Last evaluated: 2019-11-25. Review status: criteria provided, single submitter. Criteria: ARUP Molecular Germline Variant Investigation Process. Collection method: clinical testing. Allele origin: germline.
Comment: The APC c.5826_5829delCAGA; p.Asp1942fs variant (rs864622228), also known as 5824delGACA and 5844_5847del4, is reported in the literature in multiple individuals and several large families affected with familial adenomatous polyposis (Bisgaard 2004, Lamlum 2000, Scott 1996, Vieira 2015). This variant is reported in ClinVar (Variation ID: 219743), and is absent from general population databases (Exome Variant Server, Genome Aggregation Database), indicating it is not a common polymorphism. This variant results in a premature termination codon in the last exon of the APC gene. While this may not lead to nonsense-mediated decay, it is expected to create a truncated protein missing the last 902 amino acids. Based on available information, this variant is considered to be pathogenic. References: Bisgaard ML et al. Mutation analysis of the adenomatous polyposis coli (APC) gene in Danish patients with familial adenomatous polyposis (FAP). Hum Mutat. 2004 May;23(5):522. Lamlum H et al. Germline APC variants in patients with multiple colorectal adenomas, with evidence for the particular importance of E1317Q. Hum Mol Genet. 2000 Sep 22;9(15):2215-21. Scott RJ et al. Familial infiltrative fibromatosis (desmoid tumours) (MIM135290) caused by a recurrent 3' APC gene mutation. Hum Mol Genet. 1996 Dec;5(12):1921-4. Vieira J et al. Identification of previously unrecognized FAP in children with Gardner fibroma. Eur J Hum Genet. 2015 May;23(5):715-8.

Quest Diagnostics Nichols Institute San Juan Capistrano
Classification: Pathogenic. Last evaluated: 2018-02-28. Review status: criteria provided, single submitter. Criteria: Quest Diagnostics criteria. Collection method: clinical testing. Allele origin: germline.

OMIM
Classification: Pathogenic for DESMOID DISEASE, HEREDITARY. Last evaluated: 1996-12-01. Review status: no assertion criteria provided. Collection method: literature only. Allele origin: germline. Not counted in ClinVar's aggregate classification.

Mayo Clinic Laboratories, Mayo Clinic
Classification: Pathogenic. Review status: no assertion criteria provided. Collection method: clinical testing. Allele origin: unknown. Not counted in ClinVar's aggregate classification.

Literature cited by the submitters: PubMed 8968744 (cited by 3 submitters); PubMed 11001924 (cited by Labcorp Genetics (formerly Invitae), Labcorp); PubMed 15108286 (cited by Labcorp Genetics (formerly Invitae), Labcorp and Ambry Genetics); PubMed 25074465 (cited by Labcorp Genetics (formerly Invitae), Labcorp and Ambry Genetics); PubMed 9824584 (cited by Labcorp Genetics (formerly Invitae), Labcorp); PubMed 20434453 (cited by Labcorp Genetics (formerly Invitae), Labcorp); PubMed 1544113 (cited by OMIM).

NM_000038.6(APC):c.5826_5829del (p.Asp1942fs)

Gene: APC (APC regulator of Wnt signaling pathway; plus strand). Cytogenetic location: 5q22.2.
Variant type: Microsatellite.
Coding change: c.5826_5829del on transcript NM_000038.6 (MANE Select); coding-DNA positions 5826 to 5829, 4 bases deleted (CAGA; older notation c.5826_5829delCAGA).
Protein change: p.Asp1942fs; shifts the reading frame from aspartic acid 1942.
Molecular consequence: frameshift variant.
Genome position (GRCh38, 1-based): chr5:112,841,420-112,841,423, CAGA deleted; deleting any 4 consecutive bases within chr5:112,841,416-112,841,423 gives the same sequence; the c. name uses the placement nearest the transcript's 3' end. VCF-style (leftmost placement, unchanged base first): chr5-112841415-CCAGA-C. GRCh37 (hg19) VCF-style: chr5-112177112-CCAGA-C.
Other names: c.5826_5829del, p.Asp1942fs (NM_001127510.3, NM_001354895.2); c.5772_5775del, p.Asp1924fs (NM_001127511.3); c.5880_5883del, p.Asp1960fs (NM_001354896.2); c.5856_5859del, p.Asp1952fs (NM_001354897.2); c.5751_5754del, p.Asp1917fs (NM_001354898.2); c.5742_5745del, p.Asp1914fs (NM_001354899.2); c.5703_5706del, p.Asp1901fs (NM_001354900.2); c.5649_5652del, p.Asp1883fs (NM_001354901.2); and 6 more; short protein forms D1816fs, D1841fs, D1883fs, D1914fs, D1942fs, D1901fs, D1917fs, D1851fs.
Identifiers: ClinVar variation 219743 (VCV000219743.44), dbSNP rs864622228, ClinGen allele CA350460.
Genomic context (GRCh38, chr5:112,841,415, plus strand): 5'-GGTCAGCCTAAACCCATACTTCAGAAACAATCCACTTTTCCCCAGTCATCCAAAGACATA[CCAGA>C]CAGAGGGGCAGCAACTGATGAAAAGTTACAGAATTTTGCTATTGAAAATACTCCGGTTTG-3'